The following is an entry in ClinVar:

NM_000328.3(RPGR):c.2120C>T (p.Ala707Val)

Gene: RPGR (retinitis pigmentosa GTPase regulator; minus strand). Cytogenetic location: Xp11.4.
Variant type: single nucleotide variant.
Coding change: c.2120C>T on transcript NM_000328.3; coding-DNA position 2120, C replaced by T.
Protein change: p.Ala707Val; replaces alanine 707 with valine.
Molecular consequence: missense variant. On other transcripts: non-coding transcript variant (6).
Genome position (GRCh38, 1-based): chrX:38,275,118, G>A on the plus strand (C>T on the coding strand, the complement: RPGR is on the minus strand). VCF-style: chrX-38275118-G-A. GRCh37 (hg19) VCF-style: chrX-38134371-G-A.
Other names: c.2117C>T, p.Ala706Val (NM_001367245.1); c.1934C>T, p.Ala645Val (NM_001367246.1); c.1787C>T, p.Ala596Val (NM_001367247.1); c.1817C>T, p.Ala606Val (NM_001367248.1); c.1784C>T, p.Ala595Val (NM_001367249.1, NM_001367250.1); c.1601C>T, p.Ala534Val (NM_001367251.1); short protein forms A706V, A534V, A595V, A606V, A645V, A707V, A596V.
Identifiers: ClinVar variation 2897610 (VCV002897610.3), dbSNP rs1172746559, ClinGen allele CA412724984.
Genomic context (GRCh38, chrX:38,275,118, plus strand): 5'-TATATATGTATGTTATCAAATGTGCTCATACCTTTTGGGTTTTCATTGTACTCACAAATG[G>A]CCCGTTCCTCTAGGTTGGCTTTTTCTTTCTATAAACAATAACAAAGCAATATAACAAAAA-3'

ClinVar aggregate classification (germline): Uncertain significance. Review status: criteria provided, multiple submitters, no conflicts (2 of 4 stars). 2 submissions from 2 submitters: Uncertain significance (2). Last evaluated 2024-12-15.

Conditions:
Primary ciliary dyskinesia. Also called: Ciliary dyskinesia. Identifiers: Orphanet 244, MedGen C0008780, MONDO:0016575, HP:0012265.

Allele frequency attached by ClinVar (database versions not stated): gnomAD exomes below 0.00001; gnomAD 0.00001; TOPMed 0.00003.
gnomAD v4.1: 5 of 1,208,036 alleles (0.00041%); highest among the groups gnomAD compares: Non-Finnish European, 0.00056%; no homozygotes.

Submissions (2):

Ambry Genetics
Classification: Uncertain significance for Primary ciliary dyskinesia. Last evaluated: 2024-12-15. Review status: criteria provided, single submitter. Criteria: Ambry Variant Classification Scheme 2023. Collection method: clinical testing. Allele origin: germline.

Labcorp Genetics (formerly Invitae), Labcorp
Classification: Uncertain significance for Primary ciliary dyskinesia. Last evaluated: 2023-04-09. Review status: criteria provided, single submitter. Criteria: Invitae Variant Classification Sherloc (09022015). Collection method: clinical testing. Allele origin: germline.
Comment: In summary, the available evidence is currently insufficient to determine the role of this variant in disease. Therefore, it has been classified as a Variant of Uncertain Significance. Advanced modeling of protein sequence and biophysical properties (such as structural, functional, and spatial information, amino acid conservation, physicochemical variation, residue mobility, and thermodynamic stability) performed at Invitae indicates that this missense variant is not expected to disrupt RPGR protein function. This variant has not been reported in the literature in individuals affected with RPGR-related conditions. This variant is present in population databases (no rsID available, gnomAD 0.002%). This sequence change replaces alanine, which is neutral and non-polar, with valine, which is neutral and non-polar, at codon 707 of the RPGR protein (p.Ala707Val).